The following is an entry in ClinVar:

ClinVar aggregate classification (germline): Pathogenic. Review status: criteria provided, multiple submitters, no conflicts (2 of 4 stars). 25 submissions from 25 submitters: Pathogenic (22). 3 of the submissions do not count toward it. Last evaluated 2026-07-22.

Conditions:
Autosomal recessive MKS1-related disorders.
Meckel syndrome, type 1 (MKS1). Also called: MECKEL-GRUBER SYNDROME, TYPE 1. Identifiers: Orphanet 564, MedGen C3714506, MONDO:0009571, OMIM 249000.
Bardet-Biedl syndrome 13 (BBS13). Identifiers: Orphanet 110, MedGen C2673873, MONDO:0014441, OMIM 615990.
Joubert syndrome 28 (JBTS28). Identifiers: MedGen C4310705, MONDO:0014928, OMIM 617121.
MKS1-related disorder. Also called: MKS1-related condition; MKS1-related disorders. Identifiers: MedGen CN239382.
Inborn genetic diseases. Identifiers: MedGen C0950123, MeSH D030342.
Joubert syndrome. Also called: JOUBERT-BOLTSHAUSER SYNDROME; Familial aplasia of the vermis. Identifiers: Orphanet 475, MedGen C5979921, MONDO:0018772.
Meckel-Gruber syndrome. Also called: Dysencephalia splachnocystica; DYSENCEPHALIA SPLANCHNOCYSTICA; GRUBER SYNDROME. Identifiers: Orphanet 564, MedGen C0265215, MONDO:0018921.
Retinal disorder. Also called: Retinal disorders; Retinopathies; Retinal Diseases; Retinopathy. Identifiers: MedGen C0035309, MONDO:0005283, HP:0000488.

Submissions 1 to 14 of 25:

PreventionGenetics, part of Exact Sciences
Classification: Pathogenic for MKS1-related condition. Last evaluated: 2026-07-22. Review status: criteria provided, single submitter. Criteria: ACMG Guidelines, 2015. Collection method: clinical testing. Allele origin: germline.
Comment: The MKS1 c.1408-34_1408-6del29 variant is predicted to result in an intronic deletion. This deletion has been shown to disrupt splicing of MKS1 and cause Meckel-Gruber syndrome in multiple unrelated individuals when found in the homozygous or compound heterozygous states (reported as IVS15-7_35del in Table 1, Kyttala et al. 2006. PubMed ID: 16415886; reported as c.1408-35_1408-7del29, Szymanska et al. 2012. PubMed ID: 23351400). This variant is reported in 0.70% of alleles in individuals of European (Finnish) descent in gnomAD. In ClinVar, this variant is reported as pathogenic (ClinVar Variation ID: 188400). This variant is interpreted as pathogenic.

CeGaT Center for Human Genetics Tuebingen
Classification: Pathogenic. Last evaluated: 2026-05-01. Review status: criteria provided, single submitter. Criteria: CeGaT Center For Human Genetics Tuebingen Variant Classification Criteria Version 2. Collection method: clinical testing. Allele origin: germline. Affected: yes. Observed: 7 variant alleles.
Comment: MKS1: PM3:Very Strong, PVS1:Strong, PM2:Supporting

Genetics Laboratory, Great Ormond Street Hospital NHS Foundation Trust, North Thames Genomic Laboratory Hub
Classification: Pathogenic for Retinal disorders. Last evaluated: 2026-02-27. Review status: criteria provided, single submitter. Criteria: ACGS Best Practice Guidelines for Variant Classification in Rare Disease 2024 v1.2. Collection method: clinical testing. Allele origin: germline. Affected: yes.
Comment: PVS1_strong, PM3_very-strong, PP4_moderate

Clinical Genetics and Genomics, Karolinska University Hospital
Classification: Pathogenic for Meckel syndrome, type 1. Last evaluated: 2026-02-05. Review status: criteria provided, single submitter. Criteria: ACMG Guidelines, 2015. Collection method: clinical testing. Allele origin: germline. Inheritance: Autosomal recessive inheritance. Affected: yes.

Labcorp Genetics (formerly Invitae), Labcorp
Classification: Pathogenic for Joubert syndrome; Meckel-Gruber syndrome. Last evaluated: 2026-01-27. Review status: criteria provided, single submitter. Criteria: Invitae Variant Classification Sherloc (09022015). Collection method: clinical testing. Allele origin: germline.
Comment: This sequence change falls in intron 15 of the MKS1 gene. It does not directly change the encoded amino acid sequence of the MKS1 protein. RNA analysis indicates that this variant induces altered splicing and likely disrupts the C-terminus of the protein. This variant is present in population databases (rs749737706, gnomAD 0.7%), and has an allele count higher than expected for a pathogenic variant. This variant has been observed in individual(s) with Meckel-Gruber syndrome (PMID: 16415886, 17377820, 17397051, 17437276, 17935508). It is commonly reported in individuals of Finnish ancestry (PMID: 23351400). ClinVar contains an entry for this variant (Variation ID: 188400). Variants that disrupt the consensus splice site are a relatively common cause of aberrant splicing (PMID: 17576681, 9536098). Studies have shown that this variant results in skipping of exon 16 and introduces a new termination codon (PMID: 16415886). However the mRNA is not expected to undergo nonsense-mediated decay. For these reasons, this variant has been classified as Pathogenic.

Variantyx, Inc.
Classification: Pathogenic for Autosomal recessive MKS1-related disorders. Last evaluated: 2025-10-09. Review status: criteria provided, single submitter. Criteria: Variantyx Assertion Criteria 2022. Collection method: clinical testing. Allele origin: germline. Inheritance: Autosomal recessive inheritance. Affected: no.
Comment: This is an intronic variant in the MKS1 gene (OMIM: 609883). Pathogenic variants in this gene have been associated with autosomal recessive MKS1-related disorders. This variant is expected to cause aberrant splicing (PMID: 16415886) (PVS1). It has been reported in the homozygous or compound heterozygous state in many unrelated affected individuals and is referred to as a founder mutation in the Finnish population (PMID: 17397051, 17377820, 16415886) (PM3). This variant has a 0.1059% maximum allele frequency in non-founder control populations. Based on the current evidence, this variant is classified as pathogenic for autosomal recessive MKS1-related disorders.

Daryl Scott Lab, Baylor College of Medicine
Classification: Pathogenic for MKS1-related disorder. Last evaluated: 2025-08-25. Review status: criteria provided, single submitter. Criteria: ACMG Guidelines, 2015. Collection method: clinical testing. Allele origin: maternal. Affected: yes. Observed: 1 compound heterozygote.
Comment: PS3, PM3

Revvity Omics, Revvity
Classification: Pathogenic. Last evaluated: 2025-06-12. Review status: criteria provided, single submitter. Criteria: ACMG Guidelines, 2015. Collection method: clinical testing. Allele origin: germline.

Natera, Inc.
Classification: Pathogenic for Meckel syndrome type 1. Last evaluated: 2025-03-19. Review status: criteria provided, single submitter. Criteria: Natera Variant Classification Schema (03/2026). Collection method: clinical testing. Allele origin: germline.
Comment: The c.1408-34_1408-6delAGAAACCTGAGGCTGTCCCAATGGCATGC variant in MKS1 is a frameshift variant predicted to shift the reading frame and introduce a stop codon. The frequency of this variant in the general population is greater than expected for disorder. This variant has been observed in one or more individuals affected with the associated recessive disease, as either homozygous or compound heterozygous with a second variant (PMID: 17397051). Given the available evidence, this variant is classified as Pathogenic.

Blueprint Genetics
Classification: Pathogenic for MKS1-related disorders. Last evaluated: 2024-10-29. Review status: criteria provided, single submitter. Criteria: ACMG Guidelines, 2015. Collection method: clinical testing. Allele origin: germline. Affected: yes. Observed: 5 variant alleles.

Baylor Genetics
Classification: Pathogenic for Bardet-Biedl syndrome 13. Last evaluated: 2024-03-30. Review status: criteria provided, single submitter. Criteria: ACMG Guidelines, 2015. Collection method: clinical testing. Allele origin: unknown.

Fulgent Genetics
Classification: Pathogenic for Meckel syndrome, type 1; Bardet-Biedl syndrome 13; Joubert syndrome 28. Last evaluated: 2024-01-25. Review status: criteria provided, single submitter. Criteria: ACMG Guidelines, 2015. Collection method: clinical testing. Allele origin: germline.

Women's Health and Genetics/Laboratory Corporation of America, LabCorp
Classification: Pathogenic for Meckel syndrome, type 1. Last evaluated: 2023-02-20. Review status: criteria provided, single submitter. Criteria: LabCorp Variant Classification Summary - May 2015. Collection method: clinical testing. Allele origin: germline.
Comment: Variant summary: MKS1 c.1408-34_1408-6del29 alters a nucleotide located close to a canonical splice site and therefore could affect mRNA splicing, leading to a significantly altered protein sequence. Several computational tools predict a significant impact on normal splicing: Three predict the variant abolishes a 3 prime acceptor site. However, these predictions have yet to be confirmed by functional studies. The variant allele was found at a frequency of 0.0011 in 246468 control chromosomes. This frequency is not significantly higher than estimated for a pathogenic variant in MKS1 causing Meckel Syndrome Type 1, allowing no conclusion about variant significance. c.1408-34_1408-6del29 has been reported in the literature in individuals affected with Meckel Syndrome Type 1. These data indicate that the variant is likely to be associated with disease. Twelve clinical diagnostic laboratories have submitted clinical-significance assessments for this variant to ClinVar after 2014 without evidence for independent evaluation (pathogenic n=11, VUS n=1). Based on the evidence outlined above, the variant was classified as pathogenic.

Department of Pathology and Laboratory Medicine, Sinai Health System
Classification: Pathogenic for Meckel syndrome, type 1; Bardet-Biedl syndrome 13; Joubert syndrome 28. Last evaluated: 2022-07-06. Review status: criteria provided, single submitter. Criteria: ACMG Guidelines, 2015. Collection method: research. Allele origin: germline.

NM_017777.4(MKS1):c.1408-34_1408-6del

Gene: MKS1 (MKS transition zone complex subunit 1; minus strand). Cytogenetic location: 17q22.
Variant type: Deletion.
Coding change: c.1408-34_1408-6del on transcript NM_017777.4 (MANE Select); 34 bases into the intron before coding-DNA position 1408 through 6 bases into the intron before coding-DNA position 1408, 29 bases deleted (AGAAACCTGAGGCTGTCCCAATGGCATGC).
Molecular consequence: intron variant.
Genome position (GRCh38, 1-based): chr17:58,206,553-58,206,581, GCATGCCATTGGGACAGCCTCAGGTTTCT deleted on the plus strand (AGAAACCTGAGGCTGTCCCAATGGCATGC on the coding strand, the reverse complement: MKS1 is on the minus strand); deleting any 29 consecutive bases within chr17:58,206,553-58,206,583 gives the same sequence; the c. name uses the placement nearest the transcript's 3' end. VCF-style (leftmost placement, unchanged base first): chr17-58206552-GGCATGCCATTGGGACAGCCTCAGGTTTCT-G. GRCh37 (hg19) VCF-style: chr17-56283913-GGCATGCCATTGGGACAGCCTCAGGTTTCT-G.
Other names: c.1408-34_1408-6del29 (NM_017777.3); c.1408-34_1408-6delAGAAACCTGAGGCTGTCCCAATGGCATGC (NM_017777.3, NM_017777.4); c.799-34_799-6del (NM_001321268.2); c.1274-201_1274-173del (NM_001330397.2); c.1408-201_1408-173del (NM_001321269.2).
Identifiers: ClinVar variation 188400 (VCV000188400.88), dbSNP rs386834043, ClinGen allele CA334784.
Genomic context (GRCh38, chr17:58,206,552, plus strand): 5'-AAGGTGACAGTGCCTGTGGTCTCTGTGCGGAGTCCAAAGCGGCTCAGGCGTTCCCCCTGT[GGCATGCCATTGGGACAGCCTCAGGTTTCT>G]GCTCTCTCTAGACACCCCCGCACCATGCTGGCCTCACCCCCATTCTTATTCCCATTCTTG-3'